The following is an entry in ClinVar:

NM_001136234.3(SUPT20HL1):c.1662A>G (p.Val554=)

Gene: SUPT20HL1 (SUPT20H like 1; plus strand). Cytogenetic location: Xp22.11.
Variant type: single nucleotide variant.
Coding change: c.1662A>G on transcript NM_001136234.3 (MANE Select); coding-DNA position 1662, A replaced by G.
Protein change: p.Val554=; no amino-acid change (valine 554 retained).
Molecular consequence: synonymous variant.
Genome position (GRCh38, 1-based): chrX:24,364,422, A>G. VCF-style: chrX-24364422-A-G. GRCh37 (hg19) VCF-style: chrX-24382539-A-G.
Identifiers: ClinVar variation 2660191 (VCV002660191.24), dbSNP rs866630199, ClinGen allele CA515724226.

ClinVar aggregate classification (germline): Likely benign (1 of 4 stars; one submission).

Submission:

CeGaT Center for Human Genetics Tuebingen
Classification: Likely benign. Last evaluated: 2022-03-01. Review status: criteria provided, single submitter. Criteria: CeGaT Center For Human Genetics Tuebingen Variant Classification Criteria Version 2. Collection method: clinical testing. Allele origin: germline. Affected: yes. Observed: 1 variant allele.
Comment: SUPT20HL1: BP4, BP7